The following is an entry in ClinVar:

NM_004006.3(DMD):c.929C>A (p.Ser310Tyr)

Gene: DMD (dystrophin; minus strand). Cytogenetic location: Xp21.1.
Variant type: single nucleotide variant.
Coding change: c.929C>A on transcript NM_004006.3 (MANE Select); coding-DNA position 929, C replaced by A.
Protein change: p.Ser310Tyr; replaces serine 310 with tyrosine.
Molecular consequence: missense variant.
Genome position (GRCh38, 1-based): chrX:32,697,901, G>T on the plus strand (C>A on the coding strand, the complement: DMD is on the minus strand). VCF-style: chrX-32697901-G-T. GRCh37 (hg19) VCF-style: chrX-32716018-G-T.
Other names: c.905C>A, p.Ser302Tyr (NM_000109.4); c.917C>A, p.Ser306Tyr (NM_004009.3); c.560C>A, p.Ser187Tyr (NM_004010.3); short protein forms S187Y, S310Y, S306Y, S302Y.
Identifiers: ClinVar variation 1500307 (VCV001500307.6), dbSNP rs2063773395, ClinGen allele CA412668452.

ClinVar aggregate classification (germline): Uncertain significance (1 of 4 stars; one submission).

Conditions:
Duchenne muscular dystrophy (DMD). Also called: Duchenne Muscular Dystrophy (DMD); MUSCULAR DYSTROPHY, PSEUDOHYPERTROPHIC PROGRESSIVE, DUCHENNE TYPE. Identifiers: Orphanet 98896, MedGen C0013264, MONDO:0010679, OMIM 310200.

Submission:

Labcorp Genetics (formerly Invitae), Labcorp
Classification: Uncertain significance for Duchenne muscular dystrophy. Last evaluated: 2025-02-13. Review status: criteria provided, single submitter. Criteria: Invitae Variant Classification Sherloc (09022015). Collection method: clinical testing. Allele origin: germline.
Comment: This sequence change replaces serine, which is neutral and polar, with tyrosine, which is neutral and polar, at codon 310 of the DMD protein (p.Ser310Tyr). This variant is not present in population databases (gnomAD no frequency). This variant has not been reported in the literature in individuals affected with DMD-related conditions. ClinVar contains an entry for this variant (Variation ID: 1500307). Invitae Evidence Modeling of protein sequence and biophysical properties (such as structural, functional, and spatial information, amino acid conservation, physicochemical variation, residue mobility, and thermodynamic stability) indicates that this missense variant is not expected to disrupt DMD protein function with a negative predictive value of 95%. In summary, the available evidence is currently insufficient to determine the role of this variant in disease. Therefore, it has been classified as a Variant of Uncertain Significance.